The following is an entry in ClinVar:

ClinVar aggregate classification (germline): Likely benign (0 of 4 stars; one submission).

Conditions:
MC4R-related disorder. Also called: MC4R-related condition.

gnomAD v4.1: 6 of 1,612,392 alleles (0.00037%); highest among the groups gnomAD compares: African/African-American, 0.0053%; no homozygotes.

Submission:

PreventionGenetics, part of Exact Sciences
Classification: Likely benign for MC4R-related condition. Last evaluated: 2023-11-16. Review status: no assertion criteria provided. Collection method: clinical testing. Allele origin: germline.
Comment: This variant is classified as likely benign based on ACMG/AMP sequence variant interpretation guidelines (Richards et al. 2015 PMID: 25741868, with internal and published modifications).

NM_005912.3(MC4R):c.-32A>G

Gene: MC4R (melanocortin 4 receptor; minus strand). Cytogenetic location: 18q21.32.
Variant type: single nucleotide variant.
Coding change: c.-32A>G on transcript NM_005912.3 (MANE Select); 32 bases upstream of the start codon, A replaced by G.
Molecular consequence: 5 prime UTR variant.
Genome position (GRCh38, 1-based): chr18:60,372,381, T>C on the plus strand (A>G on the coding strand, the complement: MC4R is on the minus strand). VCF-style: chr18-60372381-T-C. GRCh37 (hg19) VCF-style: chr18-58039614-T-C.
Identifiers: ClinVar variation 3358483 (VCV003358483.1).